The following is an entry in ClinVar:

ClinVar aggregate classification (germline): Pathogenic (1 of 4 stars; one submission).

Submission:

GeneDx
Classification: Pathogenic. Last evaluated: 2016-02-18. Review status: criteria provided, single submitter. Criteria: GeneDx Variant Classification (06012015). Collection method: clinical testing. Allele origin: germline. Affected: yes.
Comment: The Q491X nonsense variant in the TCF4 gene is predicted to cause loss of normal protein function either through protein truncation or nonsense-mediated mRNA decay. It was not observed in approximately 6,500 individuals of European and African American ancestry in the NHLBI Exome Sequencing Project, indicating it is not a common benign variant in these populations. Although this variant has not been reported previously to our knowledge, other nonsense variants have been reported in the TCF4 gene in association with Pitt-Hopkins syndrome (Stenson et al., 2014). Therefore, we consider Q491X to be pathogenic.

NM_001083962.2(TCF4):c.1471C>T (p.Gln491Ter)

Gene: TCF4 (transcription factor 4; minus strand). Cytogenetic location: 18q21.2.
Variant type: single nucleotide variant.
Coding change: c.1471C>T on transcript NM_001083962.2 (MANE Select); coding-DNA position 1471, C replaced by T.
Protein change: p.Gln491Ter; replaces glutamine 491 with a stop codon.
Molecular consequence: nonsense.
Genome position (GRCh38, 1-based): chr18:55,234,563, G>A on the plus strand (C>T on the coding strand, the complement: TCF4 is on the minus strand). VCF-style: chr18-55234563-G-A. GRCh37 (hg19) VCF-style: chr18-52901794-G-A.
Other names: c.1777C>T, p.Gln593Ter (NM_001243226.3); c.1399C>T, p.Gln467Ter (NM_001243227.2, NM_001306207.1, NM_001348217.1 and 5 more transcripts); c.1489C>T, p.Gln497Ter (NM_001243228.2); c.1462C>T, p.Gln488Ter (NM_001243230.2); c.1345C>T, p.Gln449Ter (NM_001243231.2, NM_001348211.2); c.1258C>T, p.Gln420Ter (NM_001243232.1, NM_001306208.1); c.1081C>T, p.Gln361Ter (NM_001243233.2, NM_001330605.3, NM_001348212.2 and 1 more transcripts); c.991C>T, p.Gln331Ter (NM_001243234.2, NM_001243235.2, NM_001243236.2 and 1 more transcripts); and 6 more; short protein forms Q491*, Q330*, Q331*, Q449*, Q488*, Q466*, Q467*, Q490*.
Identifiers: ClinVar variation 280357 (VCV000280357.2), dbSNP rs886041578, ClinGen allele CA10603496.
Genomic context (GRCh38, chr18:55,234,563, plus strand): 5'-TATTGTGAAAGTGAGGTCAGAAGTGCCCTGGTGAGGCCAACCTACCTCTGTAAGGGTCCT[G>A]GGGTGGGTTCAGGTCAGGGGAAGTCGCAGACTGGACAGGAAGCTGTGGAACCGGAACCTG-3'